The following is an entry in ClinVar:

NM_002617.4(PEX10):c.600C>G (p.Tyr200Ter)

Gene: PEX10 (peroxisomal biogenesis factor 10; minus strand). Cytogenetic location: 1p36.32.
Variant type: single nucleotide variant.
Coding change: c.600C>G on transcript NM_002617.4 (MANE Select); coding-DNA position 600, C replaced by G.
Protein change: p.Tyr200Ter; replaces tyrosine 200 with a stop codon.
Molecular consequence: nonsense.
Genome position (GRCh38, 1-based): chr1:2,408,452, G>C on the plus strand (C>G on the coding strand, the complement: PEX10 is on the minus strand). VCF-style: chr1-2408452-G-C. GRCh37 (hg19) VCF-style: chr1-2339891-G-C.
Other names: c.600C>G, p.Tyr200Ter (NM_001374425.1, NM_153818.2); c.168C>G, p.Tyr56Ter (NM_001374426.1, NM_001374427.1); short protein forms Y200*, Y56*.
Identifiers: ClinVar variation 2677658 (VCV002677658.2), dbSNP rs1169822437, ClinGen allele CA337986791.

ClinVar aggregate classification (germline): Pathogenic/Likely pathogenic. Review status: criteria provided, multiple submitters, no conflicts (2 of 4 stars). 2 submissions from 2 submitters: Pathogenic (1); Likely pathogenic (1). Last evaluated 2026-07-04.

Conditions:
Peroxisome biogenesis disorder 6A (Zellweger). Also called: Peroxisome biogenesis disorder 6A. Identifiers: Orphanet 912, MedGen C3553947, MONDO:0013936, OMIM 614870.
Peroxisome biogenesis disorder. Identifiers: Orphanet 79189, MedGen C1832200, MONDO:0019234. Disease mechanism: loss of function.

Submissions (2):

Myriad Genetics, Inc.
Classification: Pathogenic for Peroxisome biogenesis disorder. Last evaluated: 2026-07-04. Review status: criteria provided, single submitter. Criteria: Myriad Autosomal Dominant, Autosomal Recessive and X-Linked Classification Criteria (2023). Collection method: clinical testing. Allele origin: unknown.
Comment: NM_153818.1(PEX10):c.600C>G(Y200*) is expected to be pathogenic in the context of peroxisome biogenesis disorder type 6. This variant is predicted to lead to an abnormal or absent protein product due to the creation of a premature termination codon in PEX10, a gene where loss-of-function variants are known to be pathogenic. Please note: this variant was assessed in the context of healthy population screening.

Baylor Genetics
Classification: Likely pathogenic for Peroxisome biogenesis disorder 6A (Zellweger). Last evaluated: 2022-03-29. Review status: criteria provided, single submitter. Criteria: ACMG Guidelines, 2015. Collection method: clinical testing. Allele origin: unknown.